The following is an entry in ClinVar:

ClinVar aggregate classification (germline): Uncertain significance (1 of 4 stars; one submission).

Conditions:
Immunodeficiency, common variable, 10. Also called: IMMUNODEFICIENCY, COMMON VARIABLE, WITH CENTRAL ADRENAL INSUFFICIENCY; DEFICIT IN ANTERIOR PITUITARY FUNCTION AND VARIABLE IMMUNODEFICIENCY. Identifiers: MedGen C3809991, MONDO:0014260, OMIM 615577.

Submission:

Labcorp Genetics (formerly Invitae), Labcorp
Classification: Uncertain significance for Immunodeficiency, common variable, 10. Last evaluated: 2023-07-26. Review status: criteria provided, single submitter. Criteria: Invitae Variant Classification Sherloc (09022015). Collection method: clinical testing. Allele origin: germline.
Comment: This variant has not been reported in the literature in individuals affected with NFKB2-related conditions. This sequence change falls in intron 8 of the NFKB2 gene. It does not directly change the encoded amino acid sequence of the NFKB2 protein. This variant is not present in population databases (gnomAD no frequency). Algorithms developed to predict the effect of sequence changes on RNA splicing suggest that this variant may create or strengthen a splice site. In summary, the available evidence is currently insufficient to determine the role of this variant in disease. Therefore, it has been classified as a Variant of Uncertain Significance.

NM_001322934.2(NFKB2):c.662-7T>G

Genes: NFKB2 (nuclear factor kappa B subunit 2; plus strand), LOC121815964 (Sharpr-MPRA regulatory region 13585; plus strand). Cytogenetic location: 10q24.32.
Variant type: single nucleotide variant.
Coding change: c.662-7T>G on transcript NM_001322934.2 (MANE Select); 7 bases into the intron before coding-DNA position 662, T replaced by G.
Molecular consequence: intron variant.
Genome position (GRCh38, 1-based): chr10:102,397,974, T>G. VCF-style: chr10-102397974-T-G. GRCh37 (hg19) VCF-style: chr10-104157731-T-G.
Other names: c.662-7T>G (NM_001288724.1, NM_001322935.1, NM_001077494.3 and 2 more transcripts).
Identifiers: ClinVar variation 2745427 (VCV002745427.3), dbSNP rs965904768, ClinGen allele CA2697558785.